The following is an entry in ClinVar:

NM_001042492.3(NF1):c.7971-7C>A

Gene: NF1 (neurofibromin 1; plus strand). Cytogenetic location: 17q11.2.
Variant type: single nucleotide variant.
Coding change: c.7971-7C>A on transcript NM_001042492.3 (MANE Select); 7 bases into the intron before coding-DNA position 7971, C replaced by A.
Molecular consequence: intron variant.
Genome position (GRCh38, 1-based): chr17:31,358,473, C>A. VCF-style: chr17-31358473-C-A. GRCh37 (hg19) VCF-style: chr17-29685491-C-A.
Other names: c.7908-7C>A (NM_000267.4).
Identifiers: ClinVar variation 237602 (VCV000237602.27), dbSNP rs754359027, ClinGen allele CA8487713.

ClinVar aggregate classification (germline): Likely benign. Review status: criteria provided, multiple submitters, no conflicts (2 of 4 stars). 5 submissions from 5 submitters: Likely benign (5). Last evaluated 2025-12-29.

Conditions:
NF1-related disorder. Also called: NF1-related condition. Identifiers: MedGen CN379171.
Neurofibromatosis, type 1 (NF1). Also called: Peripheral type neurofibromatosis; Neurofibromatosis, type I; VON RECKLINGHAUSEN DISEASE; NEUROFIBROMATOSIS, TYPE I, SOMATIC. Identifiers: Orphanet 636, MedGen C0027831, MONDO:0018975, OMIM 162200. Disease mechanism: loss of function.

Allele frequency attached by ClinVar (database versions not stated): gnomAD exomes below 0.00001 and 0.00001; TOPMed below 0.00001; gnomAD 0.00001.
gnomAD v4.1: 6 of 1,599,376 alleles (0.00038%); highest among the groups gnomAD compares: Non-Finnish European, 0.00051%; no homozygotes.

Submissions (5):

PreventionGenetics, part of Exact Sciences
Classification: Likely benign for NF1-related condition. Last evaluated: 2025-12-29. Review status: criteria provided, single submitter. Criteria: ACMG Guidelines, 2015. Collection method: clinical testing. Allele origin: germline.
Comment: This variant is classified as likely benign based on ACMG/AMP sequence variant interpretation guidelines (Richards et al. 2015 PMID: 25741868, with internal and published modifications).

Labcorp Genetics (formerly Invitae), Labcorp
Classification: Likely benign for Neurofibromatosis, type 1. Last evaluated: 2025-12-14. Review status: criteria provided, single submitter. Criteria: Invitae Variant Classification Sherloc (09022015). Collection method: clinical testing. Allele origin: germline.

CeGaT Center for Human Genetics Tuebingen
Classification: Likely benign. Last evaluated: 2025-02-01. Review status: criteria provided, single submitter. Criteria: CeGaT Center For Human Genetics Tuebingen Variant Classification Criteria Version 2. Collection method: clinical testing. Allele origin: germline. Affected: yes. Observed: 1 variant allele.
Comment: NF1: BP4

Genome-Nilou Lab
Classification: Likely benign for Neurofibromatosis, type 1. Last evaluated: 2022-03-15. Review status: criteria provided, single submitter. Criteria: ACMG Guidelines, 2015. Collection method: clinical testing. Allele origin: germline. Affected: no.

GeneDx
Classification: Likely benign. Last evaluated: 2020-07-27. Review status: criteria provided, single submitter. Criteria: GeneDx Variant Classification Process June 2021. Collection method: clinical testing. Allele origin: germline. Affected: yes.